The following is an entry in ClinVar:

NM_000294.3(PHKG2):c.-21C>G

Gene: PHKG2 (phosphorylase kinase catalytic subunit gamma 2; plus strand). Cytogenetic location: 16p11.2.
Variant type: single nucleotide variant.
Coding change: c.-21C>G on transcript NM_000294.3 (MANE Select); 21 bases upstream of the start codon, C replaced by G.
Molecular consequence: 5 prime UTR variant.
Genome position (GRCh38, 1-based): chr16:30,748,488, C>G. VCF-style: chr16-30748488-C-G. GRCh37 (hg19) VCF-style: chr16-30759809-C-G.
Other names: c.-21C>G (NM_001172432.2).
Identifiers: ClinVar variation 389747 (VCV000389747.1), dbSNP rs534374752, ClinGen allele CA16607022.
Genomic context (GRCh38, chr16:30,748,488, plus strand): 5'-TGCAGGCAAACCCGGCGACAGCGCAGCTCGCGTCGACCCTGGCTCCTCTGCCTGCCCCCT[C>G]AGGTGAGCCTGCGCTAGACCCCCGTCCCCTTCCTGCGCCCGCCCGAATGCGCCTGCGCGG-3'

ClinVar aggregate classification (germline): Likely benign (1 of 4 stars; one submission).

Allele frequency attached by ClinVar (database versions not stated): 1000 Genomes Project 0.00020; gnomAD 0.00013 and 0.00014; 1000 Genomes Project 30x 0.00016; TOPMed 0.00017.
gnomAD v4.1: 24 of 401,956 alleles (0.006%); highest among the groups gnomAD compares: Admixed American, 0.037%; no homozygotes.

Submission:

GeneDx
Classification: Likely benign. Last evaluated: 2016-11-07. Review status: criteria provided, single submitter. Criteria: GeneDx Variant Classification (06012015). Collection method: clinical testing. Allele origin: germline. Affected: yes.
Comment: This variant is considered likely benign or benign based on one or more of the following criteria: it is a conservative change, it occurs at a poorly conserved position in the protein, it is predicted to be benign by multiple in silico algorithms, and/or has population frequency not consistent with disease.